The following is an entry in ClinVar:

ClinVar aggregate classification (germline): Uncertain significance. Review status: criteria provided, multiple submitters, no conflicts (2 of 4 stars). 3 submissions from 3 submitters: Uncertain significance (3). Last evaluated 2026-05-26.

Conditions:
RAI1-related disorder. Also called: RAI1-related condition.
Inborn genetic diseases. Identifiers: MedGen C0950123, MeSH D030342.

Submissions (3):

PreventionGenetics, part of Exact Sciences
Classification: Uncertain significance for RAI1-related condition. Last evaluated: 2026-05-26. Review status: criteria provided, single submitter. Criteria: ACMG Guidelines, 2015. Collection method: clinical testing. Allele origin: germline.
Comment: The RAI1 c.4051G>A variant is predicted to result in the amino acid substitution p.Ala1351Thr. To our knowledge, this variant has not been reported in the literature or in a large population database (gnomAD), indicating this variant is rare. At this time, the clinical significance of this variant is uncertain due to the absence of conclusive functional and genetic evidence.

Labcorp Genetics (formerly Invitae), Labcorp
Classification: Uncertain significance. Last evaluated: 2024-07-01. Review status: criteria provided, single submitter. Criteria: Invitae Variant Classification Sherloc (09022015). Collection method: clinical testing. Allele origin: germline.
Comment: This sequence change replaces alanine, which is neutral and non-polar, with threonine, which is neutral and polar, at codon 1351 of the RAI1 protein (p.Ala1351Thr). This variant is not present in population databases (gnomAD no frequency). This variant has not been reported in the literature in individuals affected with RAI1-related conditions. ClinVar contains an entry for this variant (Variation ID: 2037741). Advanced modeling of protein sequence and biophysical properties (such as structural, functional, and spatial information, amino acid conservation, physicochemical variation, residue mobility, and thermodynamic stability) performed at Invitae indicates that this missense variant is not expected to disrupt RAI1 protein function with a negative predictive value of 80%. In summary, the available evidence is currently insufficient to determine the role of this variant in disease. Therefore, it has been classified as a Variant of Uncertain Significance.

Ambry Genetics
Classification: Uncertain significance for Inborn genetic diseases. Last evaluated: 2023-12-19. Review status: criteria provided, single submitter. Criteria: Ambry Variant Classification Scheme 2023. Collection method: clinical testing. Allele origin: germline.

NM_030665.4(RAI1):c.4051G>A (p.Ala1351Thr)

Gene: RAI1 (retinoic acid induced 1; plus strand). Cytogenetic location: 17p11.2.
Variant type: single nucleotide variant.
Coding change: c.4051G>A on transcript NM_030665.4 (MANE Select); coding-DNA position 4051, G replaced by A.
Protein change: p.Ala1351Thr; replaces alanine 1351 with threonine.
Molecular consequence: missense variant.
Genome position (GRCh38, 1-based): chr17:17,796,999, G>A. VCF-style: chr17-17796999-G-A. GRCh37 (hg19) VCF-style: chr17-17700313-G-A.
Other names: c.4051G>A (NM_030665.3); short protein forms A1351T.
Identifiers: ClinVar variation 2037741 (VCV002037741.6), dbSNP rs778842491, ClinGen allele CA398555617.